The following is an entry in ClinVar:

ClinVar aggregate classification (germline): Uncertain significance (1 of 4 stars; one submission).

Conditions:
Cardiovascular phenotype. Identifiers: MedGen CN230736.
Hereditary cancer-predisposing syndrome. Also called: Neoplastic Syndromes, Hereditary; Tumor predisposition; Hereditary Cancer Syndrome; Hereditary neoplastic syndrome. Identifiers: Orphanet 140162, MedGen C0027672, MeSH D009386, MONDO:0015356.

Submission:

Ambry Genetics
Classification: Uncertain significance for Cardiovascular phenotype; Hereditary cancer-predisposing syndrome. Last evaluated: 2026-04-27. Review status: criteria provided, single submitter. Criteria: Ambry Variant Classification Scheme 2023. Collection method: clinical testing. Allele origin: germline.
Comment: The p.E1264V variant (also known as c.3791A>T), located in coding exon 28 of the NF1 gene, results from an A to T substitution at nucleotide position 3791. The glutamic acid at codon 1264 is replaced by valine, an amino acid with dissimilar properties. This amino acid position is highly conserved in available vertebrate species. In addition, this alteration is predicted to be deleterious by in silico analysis. Based on the available evidence, the clinical significance of this variant remains unclear.

NM_001042492.3(NF1):c.3791A>T (p.Glu1264Val)

Gene: NF1 (neurofibromin 1; plus strand). Cytogenetic location: 17q11.2.
Variant type: single nucleotide variant.
Coding change: c.3791A>T on transcript NM_001042492.3 (MANE Select); coding-DNA position 3791, A replaced by T.
Protein change: p.Glu1264Val; replaces glutamic acid 1264 with valine.
Molecular consequence: missense variant.
Genome position (GRCh38, 1-based): chr17:31,235,693, A>T. VCF-style: chr17-31235693-A-T. GRCh37 (hg19) VCF-style: chr17-29562711-A-T.
Other names: c.3791A>T, p.Glu1264Val (NM_000267.4); short protein forms E1264V.
Identifiers: ClinVar variation 4860932 (VCV004860932.1).
Genomic context (GRCh38, chr17:31,235,693, plus strand): 5'-TTACTCTGTTTGATTCTCGGCATTTACTCTACCAACTGCTCTGGAACATGTTTTCTAAAG[A>T]AGTAGAATTGGCAGACTCCATGCAGACTCTCTTCCGAGGCAACAGCTTGGCCAGTAAAAT-3'
Protein context (NP_001035957.1, residues 1254-1274): YQLLWNMFSK[Glu1264Val]VELADSMQTL